The following is an entry in ClinVar:

NM_020806.5(GPHN):c.1766A>G (p.Asn589Ser)

Gene: GPHN (gephyrin; plus strand). Cytogenetic location: 14q23.3.
Variant type: single nucleotide variant.
Coding change: c.1766A>G on transcript NM_020806.5 (MANE Select); coding-DNA position 1766, A replaced by G.
Protein change: p.Asn589Ser; replaces asparagine 589 with serine.
Molecular consequence: missense variant.
Genome position (GRCh38, 1-based): chr14:67,143,379, A>G. VCF-style: chr14-67143379-A-G. GRCh37 (hg19) VCF-style: chr14-67610096-A-G.
Other names: c.1667A>G, p.Asn556Ser (NM_001024218.2); c.1826A>G, p.Asn609Ser (NM_001377514.1); c.1796A>G, p.Asn599Ser (NM_001377515.1); c.1787A>G, p.Asn596Ser (NM_001377516.1); c.1739A>G, p.Asn580Ser (NM_001377517.1); c.1724A>G, p.Asn575Ser (NM_001377518.1); c.1706A>G, p.Asn569Ser (NM_001377519.1); short protein forms N589S, N556S, N569S, N575S, N580S, N596S, N599S, N609S.
Identifiers: ClinVar variation 665994 (VCV000665994.8), dbSNP rs903197780, ClinGen allele CA263311048.

ClinVar aggregate classification (germline): Uncertain significance (1 of 4 stars; one submission).

Conditions:
Sulfite oxidase deficiency due to molybdenum cofactor deficiency type C. Also called: Molybdenum cofactor deficiency C; Molybdenum cofactor deficiency, complementation group C. Identifiers: Orphanet 308400, Orphanet 833, MedGen C1854990, MONDO:0014212, OMIM 615501.

Allele frequency attached by ClinVar (database versions not stated): gnomAD exomes 0.00001 and 0.00003; TOPMed 0.00002.
gnomAD v4.1: 12 of 1,608,860 alleles (0.00075%); highest among the groups gnomAD compares: Admixed American, 0.01%; no homozygotes.

Submission:

Labcorp Genetics (formerly Invitae), Labcorp
Classification: Uncertain significance for Sulfite oxidase deficiency due to molybdenum cofactor deficiency type C. Last evaluated: 2024-12-08. Review status: criteria provided, single submitter. Criteria: Invitae Variant Classification Sherloc (09022015). Collection method: clinical testing. Allele origin: germline.
Comment: This sequence change replaces asparagine, which is neutral and polar, with serine, which is neutral and polar, at codon 589 of the GPHN protein (p.Asn589Ser). This variant is present in population databases (no rsID available, gnomAD 0.01%). This variant has not been reported in the literature in individuals affected with GPHN-related conditions. ClinVar contains an entry for this variant (Variation ID: 665994). Invitae Evidence Modeling of protein sequence and biophysical properties (such as structural, functional, and spatial information, amino acid conservation, physicochemical variation, residue mobility, and thermodynamic stability) indicates that this missense variant is not expected to disrupt GPHN protein function with a negative predictive value of 80%. In summary, the available evidence is currently insufficient to determine the role of this variant in disease. Therefore, it has been classified as a Variant of Uncertain Significance.